The following is an entry in ClinVar:

NM_201384.3(PLEC):c.4506G>C (p.Gln1502His)

Gene: PLEC (plectin; minus strand). Cytogenetic location: 8q24.3.
Variant type: single nucleotide variant.
Coding change: c.4506G>C on transcript NM_201384.3 (MANE Select); coding-DNA position 4506, G replaced by C.
Protein change: p.Gln1502His; replaces glutamine 1502 with histidine.
Molecular consequence: missense variant. On other transcripts: intron variant (1).
Genome position (GRCh38, 1-based): chr8:143,925,423, C>G on the plus strand (G>C on the coding strand, the complement: PLEC is on the minus strand). VCF-style: chr8-143925423-C-G. GRCh37 (hg19) VCF-style: chr8-144999591-C-G.
Other names: c.4587G>C, p.Gln1529His (NM_000445.5); c.4464G>C, p.Gln1488His (NM_201378.4); c.4440G>C, p.Gln1480His (NM_201379.3); c.4917G>C, p.Gln1639His (NM_201380.4); c.4410G>C, p.Gln1470His (NM_201381.3); c.4506G>C, p.Gln1502His (NM_201382.4); c.4518G>C, p.Gln1506His (NM_201383.3); c.4125+1361G>C (NM_001410941.1); short protein forms Q1529H, Q1470H, Q1502H, Q1480H, Q1639H, Q1488H, Q1506H.
Identifiers: ClinVar variation 2922216 (VCV002922216.3), dbSNP rs2538059401, ClinGen allele CA372556124.

ClinVar aggregate classification (germline): Uncertain significance (1 of 4 stars; one submission).

Conditions:
Epidermolysis bullosa simplex with nail dystrophy (EBS5D). Identifiers: MedGen C4225309, MONDO:0014661, OMIM 616487.
Epidermolysis bullosa simplex, Ogna type (EBS5A). Also called: EPIDERMOLYSIS BULLOSA SIMPLEX 5A, OGNA TYPE; Pidermolysis bullosa simplex 5A, Ogna type. Identifiers: Orphanet 79401, MedGen C0432317, MONDO:0007555, OMIM 131950.
Epidermolysis bullosa simplex 5C, with pyloric atresia (EBS5C). Also called: PLEC1-Related Epidermolysis Bullosa with Pyloric Atresia; PLEC-Related Epidermolysis Bullosa with Pyloric Atresia; Epidermolysis bullosa simplex with pyloric atresia. Identifiers: Orphanet 158684, MedGen C2677349, MONDO:0012807, OMIM 612138.
Autosomal recessive limb-girdle muscular dystrophy type 2Q (LGMDR17). Also called: MUSCULAR DYSTROPHY, LIMB-GIRDLE, AUTOSOMAL RECESSIVE 17. Identifiers: Orphanet 254361, MedGen C3150989, MONDO:0013390, OMIM 613723.
Epidermolysis bullosa simplex 5B, with muscular dystrophy (EBS5B). Also called: EPIDERMOLYSIS BULLOSA SIMPLEX AND LIMB-GIRDLE MUSCULAR DYSTROPHY; Epidermolysis bullosa simplex with muscular dystrophy. Identifiers: Orphanet 257, MedGen C2931072, MONDO:0009181, OMIM 226670.

Submission:

Labcorp Genetics (formerly Invitae), Labcorp
Classification: Uncertain significance for Autosomal recessive limb-girdle muscular dystrophy type 2Q; Epidermolysis bullosa simplex, Ogna type; Epidermolysis bullosa simplex with nail dystrophy; Epidermolysis bullosa simplex 5C, with pyloric atresia; Epidermolysis bullosa simplex 5B, with muscular dystrophy. Last evaluated: 2024-01-15. Review status: criteria provided, single submitter. Criteria: Invitae Variant Classification Sherloc (09022015). Collection method: clinical testing. Allele origin: germline.
Comment: This sequence change replaces glutamine, which is neutral and polar, with histidine, which is basic and polar, at codon 1529 of the PLEC protein (p.Gln1529His). This variant is not present in population databases (gnomAD no frequency). This variant has not been reported in the literature in individuals affected with PLEC-related conditions. Advanced modeling of protein sequence and biophysical properties (such as structural, functional, and spatial information, amino acid conservation, physicochemical variation, residue mobility, and thermodynamic stability) has been performed at Invitae for this missense variant, however the output from this modeling did not meet the statistical confidence thresholds required to predict the impact of this variant on PLEC protein function. In summary, the available evidence is currently insufficient to determine the role of this variant in disease. Therefore, it has been classified as a Variant of Uncertain Significance.